The following is an entry in ClinVar:

NM_052963.3(TOP1MT):c.1146G>C (p.Pro382=)

Gene: TOP1MT (DNA topoisomerase I mitochondrial; minus strand). Cytogenetic location: 8q24.3.
Variant type: single nucleotide variant.
Coding change: c.1146G>C on transcript NM_052963.3 (MANE Select); coding-DNA position 1146, G replaced by C.
Protein change: p.Pro382=; no amino-acid change (proline 382 retained).
Molecular consequence: synonymous variant.
Genome position (GRCh38, 1-based): chr8:143,321,201, C>G on the plus strand (G>C on the coding strand, the complement: TOP1MT is on the minus strand). VCF-style: chr8-143321201-C-G. GRCh37 (hg19) VCF-style: chr8-144403371-C-G.
Other names: c.852G>C, p.Pro284= (NM_001258446.1, NM_001258447.1).
Identifiers: ClinVar variation 2187236 (VCV002187236.5), dbSNP rs374030470, ClinGen allele CA4908512.

ClinVar aggregate classification (germline): Uncertain significance (1 of 4 stars; one submission).

Allele frequency attached by ClinVar (database versions not stated): ESP Exome Variant Server 0.00008.
gnomAD v4.1: 21 of 1,589,194 alleles (0.0013%); highest among the groups gnomAD compares: Admixed American, 0.0017%; no homozygotes.

Submissions (2):

Labcorp Genetics (formerly Invitae), Labcorp
Classification: Uncertain significance. Last evaluated: 2025-10-28. Review status: criteria provided, single submitter. Criteria: Invitae Variant Classification Sherloc (09022015). Collection method: clinical testing. Allele origin: germline.
Comment: This sequence change affects codon 382 of the TOP1MT mRNA. It is a 'silent' change, meaning that it does not change the encoded amino acid sequence of the TOP1MT protein. This variant also falls at the last nucleotide of exon 8, which is part of the consensus splice site for this exon. This variant is present in population databases (rs374030470, gnomAD 0.005%). This variant has not been reported in the literature in individuals affected with TOP1MT-related conditions. ClinVar contains an entry for this variant (Variation ID: 2187236). Variants that disrupt the consensus splice site are a relatively common cause of aberrant splicing (PMID: 17576681, 9536098). Algorithms developed to predict the effect of sequence changes on RNA splicing suggest that this variant is not likely to affect RNA splicing. In summary, the available evidence is currently insufficient to determine the role of this variant in disease. Therefore, it has been classified as a Variant of Uncertain Significance.

Dr. Peter K. Rogan Lab, Western University
No classification provided (evidence only). Condition: Familial cancer of breast. Review status: no classification provided. Collection method: in vitro. Allele origin: not applicable. Functional consequence: retained intron. Not counted in ClinVar's aggregate classification.

Literature cited by the submitters: PubMed 17576681 (cited by Labcorp Genetics (formerly Invitae), Labcorp); PubMed 9536098 (cited by Labcorp Genetics (formerly Invitae), Labcorp).